The following is an entry in ClinVar:

NM_000285.4(PEPD):c.403G>T (p.Val135Phe)

Gene: PEPD (peptidase D; minus strand). Cytogenetic location: 19q13.11.
Variant type: single nucleotide variant.
Coding change: c.403G>T on transcript NM_000285.4 (MANE Select); coding-DNA position 403, G replaced by T.
Protein change: p.Val135Phe; replaces valine 135 with phenylalanine.
Molecular consequence: missense variant.
Genome position (GRCh38, 1-based): chr19:33,493,328, C>A on the plus strand (G>T on the coding strand, the complement: PEPD is on the minus strand). VCF-style: chr19-33493328-C-A. GRCh37 (hg19) VCF-style: chr19-33984234-C-A.
Other names: c.403G>T, p.Val135Phe (NM_001166056.2); c.211G>T, p.Val71Phe (NM_001166057.2); c.403G>T (NM_000285.3); short protein forms V135F, V71F.
Identifiers: ClinVar variation 2073178 (VCV002073178.3), dbSNP rs777913990, ClinGen allele CA405231070.

ClinVar aggregate classification (germline): Uncertain significance. Review status: criteria provided, multiple submitters, no conflicts (2 of 4 stars). 2 submissions from 2 submitters: Uncertain significance (2). Last evaluated 2024-08-05.

Conditions:
Inborn genetic diseases. Identifiers: MedGen C0950123, MeSH D030342.

gnomAD v4.1: 5 of 1,612,962 alleles (0.00031%); highest among the groups gnomAD compares: African/African-American, 0.004%; no homozygotes.

Submissions (2):

Ambry Genetics
Classification: Uncertain significance for Inborn genetic diseases. Last evaluated: 2024-08-05. Review status: criteria provided, single submitter. Criteria: Ambry Variant Classification Scheme 2023. Collection method: clinical testing. Allele origin: germline.

Labcorp Genetics (formerly Invitae), Labcorp
Classification: Uncertain significance. Last evaluated: 2023-08-04. Review status: criteria provided, single submitter. Criteria: Invitae Variant Classification Sherloc (09022015). Collection method: clinical testing. Allele origin: germline.
Comment: This sequence change replaces valine, which is neutral and non-polar, with phenylalanine, which is neutral and non-polar, at codon 135 of the PEPD protein (p.Val135Phe). This variant is present in population databases (no rsID available, gnomAD 0.003%). This variant has not been reported in the literature in individuals affected with PEPD-related conditions. ClinVar contains an entry for this variant (Variation ID: 2073178). Advanced modeling of protein sequence and biophysical properties (such as structural, functional, and spatial information, amino acid conservation, physicochemical variation, residue mobility, and thermodynamic stability) performed at Invitae indicates that this missense variant is not expected to disrupt PEPD protein function. In summary, the available evidence is currently insufficient to determine the role of this variant in disease. Therefore, it has been classified as a Variant of Uncertain Significance.